The following is an entry in ClinVar:

ClinVar aggregate classification (germline): Uncertain significance (1 of 4 stars; one submission).

gnomAD v4.1: 2 of 1,613,908 alleles (0.00012%); highest among the groups gnomAD compares: Admixed American, 0.0017%; no homozygotes.

Submission:

GeneDx
Classification: Uncertain significance. Last evaluated: 2024-11-22. Review status: criteria provided, single submitter. Criteria: GeneDx Variant Classification Process June 2021. Collection method: clinical testing. Allele origin: germline. Affected: yes.
Comment: Not observed at significant frequency in large population cohorts (gnomAD); In silico analysis supports that this missense variant has a deleterious effect on protein structure/function; Has not been previously published as pathogenic or benign to our knowledge

NM_001005388.3(NFASC):c.196A>G (p.Lys66Glu)

Gene: NFASC (neurofascin; plus strand). Cytogenetic location: 1q32.1.
Variant type: single nucleotide variant.
Coding change: c.196A>G on transcript NM_001005388.3 (MANE Select); coding-DNA position 196, A replaced by G.
Protein change: p.Lys66Glu; replaces lysine 66 with glutamic acid.
Molecular consequence: missense variant. On other transcripts: non-coding transcript variant (1).
Genome position (GRCh38, 1-based): chr1:204,952,097, A>G. VCF-style: chr1-204952097-A-G. GRCh37 (hg19) VCF-style: chr1-204921225-A-G.
Other names: c.196A>G, p.Lys66Glu (NM_001005389.2, NM_001378329.1); c.178A>G, p.Lys60Glu (NM_001160331.2, NM_001160332.2, NM_001160333.2 and 4 more transcripts); short protein forms K60E, K66E.
Identifiers: ClinVar variation 3900130 (VCV003900130.1).